The following is an entry in ClinVar:

ClinVar aggregate classification (germline): Uncertain significance. Review status: criteria provided, multiple submitters, no conflicts (2 of 4 stars). 2 submissions from 2 submitters: Uncertain significance (2). Last evaluated 2021-03-22.

Submissions (2):

Blueprint Genetics
Classification: Uncertain significance. Last evaluated: 2021-03-22. Review status: criteria provided, single submitter. Criteria: ACMG Guidelines, 2015. Collection method: clinical testing. Allele origin: germline.

GeneDx
Classification: Uncertain significance. Last evaluated: 2019-05-07. Review status: criteria provided, single submitter. Criteria: GeneDx Variant Classification Process June 2021. Collection method: clinical testing. Allele origin: germline. Affected: yes.
Comment: Has not been previously published as pathogenic or benign to our knowledge; Not observed in large population cohorts (Lek et al., 2016); In silico analysis, which includes splice predictors and evolutionary conservation, supports a deleterious effect; however, in the absence of RNA/functional studies, the actual effect of this sequence change is unknown

NM_000138.5(FBN1):c.4747+3A>C

Gene: FBN1 (fibrillin 1; minus strand). Cytogenetic location: 15q21.1.
Variant type: single nucleotide variant.
Coding change: c.4747+3A>C on transcript NM_000138.5 (MANE Select); 3 bases into the intron after coding-DNA position 4747, A replaced by C.
Molecular consequence: intron variant.
Genome position (GRCh38, 1-based): chr15:48,467,935, T>G on the plus strand (A>C on the coding strand, the complement: FBN1 is on the minus strand). VCF-style: chr15-48467935-T-G. GRCh37 (hg19) VCF-style: chr15-48760132-T-G.
Identifiers: ClinVar variation 451836 (VCV000451836.5), dbSNP rs1555397145, ClinGen allele CA658656474.